The following is an entry in ClinVar:

ClinVar aggregate classification (germline): Benign/Likely benign. Review status: criteria provided, multiple submitters, no conflicts (2 of 4 stars). 6 submissions from 6 submitters: Benign (2); Likely benign (3). 1 of the submissions does not count toward it. Last evaluated 2026-09-01.

Conditions:
MTOR-related disorder. Also called: MTOR-related condition.

Allele frequency attached by ClinVar (database versions not stated): gnomAD 0.00004 and 0.00005; TOPMed 0.00015; 1000 Genomes Project 0.00020; 1000 Genomes Project 30x 0.00031; gnomAD exomes 0.00033; ExAC 0.00037.

Submissions (6):

CeGaT Center for Human Genetics Tuebingen
Classification: Likely benign. Last evaluated: 2026-09-01. Review status: criteria provided, single submitter. Criteria: CeGaT Center For Human Genetics Tuebingen Variant Classification Criteria Version 2. Collection method: clinical testing. Allele origin: germline. Affected: yes. Observed: 3 variant alleles.
Comment: MTOR: BP4, BP7, BS1

Women's Health and Genetics/Laboratory Corporation of America, LabCorp
Classification: Likely benign. Last evaluated: 2026-06-10. Review status: criteria provided, single submitter. Criteria: LabCorp Variant Classification Summary - May 2015. Collection method: clinical testing. Allele origin: germline.

Labcorp Genetics (formerly Invitae), Labcorp
Classification: Benign. Last evaluated: 2026-01-11. Review status: criteria provided, single submitter. Criteria: Invitae Variant Classification Sherloc (09022015). Collection method: clinical testing. Allele origin: germline.

Blueprint Genetics
Classification: Likely benign. Last evaluated: 2024-09-26. Review status: criteria provided, single submitter. Criteria: ACMG Guidelines, 2015. Collection method: clinical testing. Allele origin: germline.

GeneDx
Classification: Benign. Last evaluated: 2020-06-12. Review status: criteria provided, single submitter. Criteria: GeneDx Variant Classification Process June 2021. Collection method: clinical testing. Allele origin: germline. Affected: yes.

PreventionGenetics, part of Exact Sciences
Classification: Likely benign for MTOR-related condition. Last evaluated: 2019-06-19. Review status: no assertion criteria provided. Collection method: clinical testing. Allele origin: germline. Not counted in ClinVar's aggregate classification.
Comment: This variant is classified as likely benign based on ACMG/AMP sequence variant interpretation guidelines (Richards et al. 2015 PMID: 25741868, with internal and published modifications).

NM_004958.4(MTOR):c.6675C>T (p.Tyr2225=)

Gene: MTOR (mechanistic target of rapamycin kinase; minus strand). Cytogenetic location: 1p36.22.
Variant type: single nucleotide variant.
Coding change: c.6675C>T on transcript NM_004958.4 (MANE Select); coding-DNA position 6675, C replaced by T.
Protein change: p.Tyr2225=; no amino-acid change (tyrosine 2225 retained).
Molecular consequence: synonymous variant.
Genome position (GRCh38, 1-based): chr1:11,122,114, G>A on the plus strand (C>T on the coding strand, the complement: MTOR is on the minus strand). VCF-style: chr1-11122114-G-A. GRCh37 (hg19) VCF-style: chr1-11182171-G-A.
Identifiers: ClinVar variation 697334 (VCV000697334.38), dbSNP rs185523638, ClinGen allele CA589029.